The following is an entry in ClinVar:

NM_015338.6(ASXL1):c.2689C>G (p.His897Asp)

Gene: ASXL1 (ASXL transcriptional regulator 1; plus strand). Cytogenetic location: 20q11.21.
Variant type: single nucleotide variant.
Coding change: c.2689C>G on transcript NM_015338.6 (MANE Select); coding-DNA position 2689, C replaced by G.
Protein change: p.His897Asp; replaces histidine 897 with aspartic acid.
Molecular consequence: missense variant.
Genome position (GRCh38, 1-based): chr20:32,435,401, C>G. VCF-style: chr20-32435401-C-G. GRCh37 (hg19) VCF-style: chr20-31023204-C-G.
Other names: c.2506C>G, p.His836Asp (NM_001363734.1); short protein forms H897D, H836D.
Identifiers: ClinVar variation 4587885 (VCV004587885.1).

ClinVar aggregate classification (germline): Uncertain significance (1 of 4 stars; one submission).

Conditions:
Inborn genetic diseases. Identifiers: MedGen C0950123, MeSH D030342.

Submission:

Ambry Genetics
Classification: Uncertain significance for Inborn genetic diseases. Last evaluated: 2025-10-15. Review status: criteria provided, single submitter. Criteria: Ambry Variant Classification Scheme 2023. Collection method: clinical testing. Allele origin: germline.
Comment: The p.H897D variant (also known as c.2689C>G), located in coding exon 13 of the ASXL1 gene, results from a C to G substitution at nucleotide position 2689. The histidine at codon 897 is replaced by aspartic acid, an amino acid with similar properties. This amino acid position is conserved. In addition, this alteration is predicted to be tolerated by in silico analysis. Based on the available evidence, the clinical significance of this variant remains unclear.